The following is an entry in ClinVar:

ClinVar aggregate classification (germline): Likely pathogenic (1 of 4 stars; one submission).

Conditions:
Dilated cardiomyopathy 1G (CMD1G). Identifiers: Orphanet 154, MedGen C1858763, MONDO:0011400, OMIM 604145.
Autosomal recessive limb-girdle muscular dystrophy type 2J (LGMDR10). Also called: Limb-girdle muscular dystrophy, type 2J; MUSCULAR DYSTROPHY, LIMB-GIRDLE, AUTOSOMAL RECESSIVE 10. Identifiers: Orphanet 140922, MedGen C1837342, MONDO:0012127, OMIM 608807.

gnomAD v4.1: 3 of 1,613,266 alleles (0.00019%); highest among the groups gnomAD compares: Non-Finnish European, 0.00025%; no homozygotes.

Submission:

Labcorp Genetics (formerly Invitae), Labcorp
Classification: Likely pathogenic for Dilated cardiomyopathy 1G; Autosomal recessive limb-girdle muscular dystrophy type 2J. Last evaluated: 2022-07-19. Review status: criteria provided, single submitter. Criteria: Invitae Variant Classification Sherloc (09022015). Collection method: clinical testing. Allele origin: germline.
Comment: This variant has not been reported in the literature in individuals affected with TTN-related conditions. ClinVar contains an entry for this variant (Variation ID: 1518558). Algorithms developed to predict the effect of sequence changes on RNA splicing suggest that this variant may create or strengthen a splice site. This variant is located in the A band of TTN (PMID: 25589632). Truncating variants in this region are significantly overrepresented in patients affected with dilated cardiomyopathy (PMID: 25589632). Truncating variants in this region have also been reported in individuals affected with autosomal recessive centronuclear myopathy (PMID: 23975875). In summary, the currently available evidence indicates that the variant is pathogenic, but additional data are needed to prove that conclusively. Therefore, this variant has been classified as Likely Pathogenic. This variant is not present in population databases (gnomAD no frequency). This sequence change creates a premature translational stop signal (p.Tyr24349*) in the TTN gene. While this is not anticipated to result in nonsense mediated decay, it is expected to create a truncated TTN protein.

Literature cited by the submitters: PubMed 25589632; PubMed 23975875.

NM_001267550.2(TTN):c.73047T>G (p.Tyr24349Ter)

Genes: TTN (titin; minus strand), TTN-AS1 (TTN antisense RNA 1; plus strand). Cytogenetic location: 2q31.2.
Variant type: single nucleotide variant.
Coding change: c.73047T>G on transcript NM_001267550.2 (MANE Select); coding-DNA position 73047, T replaced by G.
Protein change: p.Tyr24349Ter; replaces tyrosine 24349 with a stop codon.
Molecular consequence: nonsense.
Genome position (GRCh38, 1-based): chr2:178,573,085, A>C on the plus strand (T>G on the coding strand, the complement: TTN is on the minus strand). VCF-style: chr2-178573085-A-C. GRCh37 (hg19) VCF-style: chr2-179437812-A-C.
Other names: c.68124T>G, p.Tyr22708Ter (NM_001256850.1); c.45852T>G, p.Tyr15284Ter (NM_003319.4); c.65343T>G, p.Tyr21781Ter (NM_133378.4); c.46227T>G, p.Tyr15409Ter (NM_133432.3); c.46428T>G, p.Tyr15476Ter (NM_133437.4); short protein forms Y15409*, Y15476*, Y21781*, Y15284*, Y22708*, Y24349*.
Identifiers: ClinVar variation 1518558 (VCV001518558.8), dbSNP rs2154170589, ClinGen allele CA349644254.